The following is an entry in ClinVar:

NM_006947.4(SRP72):c.1567A>C (p.Asn523His)

Gene: SRP72 (signal recognition particle 72; plus strand). Cytogenetic location: 4q12.
Variant type: single nucleotide variant.
Coding change: c.1567A>C on transcript NM_006947.4 (MANE Select); coding-DNA position 1567, A replaced by C.
Protein change: p.Asn523His; replaces asparagine 523 with histidine.
Molecular consequence: missense variant. On other transcripts: non-coding transcript variant (1).
Genome position (GRCh38, 1-based): chr4:56,491,495, A>C. VCF-style: chr4-56491495-A-C. GRCh37 (hg19) VCF-style: chr4-57357661-A-C.
Other names: c.1384A>C, p.Asn462His (NM_001267722.2); short protein forms N462H, N523H.
Identifiers: ClinVar variation 1719740 (VCV001719740.5), dbSNP rs2545768859, ClinGen allele CA357002026.
Genomic context (GRCh38, chr4:56,491,495, plus strand): 5'-AGTAAACACTTGCCATCGTCAGATAGTATGTCTCTAAAAGTAGATGTTGAGGCTCTTGAA[A>C]ATTCTGCTGGTGCTACATACATTCGGAAGAAGGGTGGAAAAGTTACTGGAGATAGTCAAC-3'
Protein context (NP_008878.3, residues 513-533): SLKVDVEALE[Asn523His]SAGATYIRKK

ClinVar aggregate classification (germline): Uncertain significance (1 of 4 stars; one submission).

Submission:

Labcorp Genetics (formerly Invitae), Labcorp
Classification: Uncertain significance. Last evaluated: 2022-09-18. Review status: criteria provided, single submitter. Criteria: Invitae Variant Classification Sherloc (09022015). Collection method: clinical testing. Allele origin: germline.
Comment: In summary, the available evidence is currently insufficient to determine the role of this variant in disease. Therefore, it has been classified as a Variant of Uncertain Significance. Advanced modeling of protein sequence and biophysical properties (such as structural, functional, and spatial information, amino acid conservation, physicochemical variation, residue mobility, and thermodynamic stability) performed at Invitae indicates that this missense variant is expected to disrupt SRP72 protein function. This variant has not been reported in the literature in individuals affected with SRP72-related conditions. This variant is not present in population databases (gnomAD no frequency). This sequence change replaces asparagine, which is neutral and polar, with histidine, which is basic and polar, at codon 523 of the SRP72 protein (p.Asn523His).